The following is an entry in ClinVar:

ClinVar aggregate classification (germline): Uncertain significance (1 of 4 stars; one submission).

Submission:

Labcorp Genetics (formerly Invitae), Labcorp
Classification: Uncertain significance. Last evaluated: 2025-04-21. Review status: criteria provided, single submitter. Criteria: Invitae Variant Classification Sherloc (09022015). Collection method: clinical testing. Allele origin: germline.
Comment: This sequence change replaces threonine, which is neutral and polar, with lysine, which is basic and polar, at codon 201 of the NOG protein (p.Thr201Lys). This variant is not present in population databases (gnomAD no frequency). This variant has not been reported in the literature in individuals affected with NOG-related conditions. ClinVar contains an entry for this variant (Variation ID: 3722666). An algorithm developed to predict the effect of missense changes on protein structure and function (PolyPhen-2) suggests that this variant is likely to be disruptive. In summary, the available evidence is currently insufficient to determine the role of this variant in disease. Therefore, it has been classified as a Variant of Uncertain Significance.

NM_005450.6(NOG):c.602C>A (p.Thr201Lys)

Gene: NOG (noggin; plus strand). Cytogenetic location: 17q22.
Variant type: single nucleotide variant.
Coding change: c.602C>A on transcript NM_005450.6 (MANE Select); coding-DNA position 602, C replaced by A.
Protein change: p.Thr201Lys; replaces threonine 201 with lysine.
Molecular consequence: missense variant.
Genome position (GRCh38, 1-based): chr17:56,594,825, C>A. VCF-style: chr17-56594825-C-A. GRCh37 (hg19) VCF-style: chr17-54672186-C-A.
Other names: short protein forms T201K.
Identifiers: ClinVar variation 3722666 (VCV003722666.2).